The following is an entry in ClinVar:

NM_001323289.2(CDKL5):c.768dup (p.Ser257fs)

Gene: CDKL5 (cyclin dependent kinase like 5; plus strand). Cytogenetic location: Xp22.13.
Variant type: Duplication.
Coding change: c.768dup on transcript NM_001323289.2 (MANE Select); coding-DNA position 768, one base duplicated (G; older notation c.768dupG).
Protein change: p.Ser257fs; shifts the reading frame from serine 257.
Molecular consequence: frameshift variant.
Genome position (GRCh38, 1-based): chrX:18,595,371, G duplicated. VCF-style (leftmost placement, unchanged base first): chrX-18595370-A-AG. GRCh37 (hg19) VCF-style: chrX-18613490-A-AG.
Other names: c.768dupG (NM_003159.2); c.768dup, p.Ser257fs (NM_001037343.2, NM_003159.3); short protein forms S257fs.
Identifiers: ClinVar variation 430365 (VCV000430365.2), dbSNP rs1131691926, ClinGen allele CA645369749.
Genomic context (GRCh38, chrX:18,595,370, plus strand): 5'-CCCCAAATGTTAACATTCCCTTTGTGTATGTCTCACAGTTTCCAGCTGTTAACCATCCTC[A>AG]GTCCTTGGAAAGAAGATACCTTGGAATTTTGAATAGTGTTCTACTTGACCTAATGAAGGT-3'

ClinVar aggregate classification (germline): Pathogenic (1 of 4 stars; one submission).

Submission:

GeneDx
Classification: Pathogenic. Last evaluated: 2017-05-30. Review status: criteria provided, single submitter. Criteria: GeneDx Variant Classification (06012015). Collection method: clinical testing. Allele origin: germline. Affected: yes.
Comment: The c.768dupG pathogenic variant in the CDKL5 gene causes a frameshift starting with codon Serine 257, changes this amino acid to a Valine residue and creates a premature Stop codon at position 12 of the new reading frame, denoted p.Ser257ValfsX12. This pathogenic variant is predicted to cause loss of normal protein function either through protein truncation or nonsense-mediated mRNA decay.